The following is an entry in ClinVar:

NM_001142864.4(PIEZO1):c.7374C>G (p.Phe2458Leu)

Gene: PIEZO1 (piezo type mechanosensitive ion channel component 1 (Er blood group); minus strand). Cytogenetic location: 16q24.3.
Variant type: single nucleotide variant.
Coding change: c.7374C>G on transcript NM_001142864.4 (MANE Select); coding-DNA position 7374, C replaced by G.
Protein change: p.Phe2458Leu; replaces phenylalanine 2458 with leucine.
Molecular consequence: missense variant.
Genome position (GRCh38, 1-based): chr16:88,715,797, G>C on the plus strand (C>G on the coding strand, the complement: PIEZO1 is on the minus strand). VCF-style: chr16-88715797-G-C. GRCh37 (hg19) VCF-style: chr16-88782205-G-C.
Other names: c.7374C>G (NM_001142864.3); short protein forms F2458L.
Identifiers: ClinVar variation 994216 (VCV000994216.62), dbSNP rs202127176, ClinGen allele CA8231330.
Genomic context (GRCh38, chr16:88,715,797, plus strand): 5'-GAGGATGCGGTCCACGCACGGCAGCTCCTCGAACATAATGGAGTGCGAGATCTCGCTGAA[G>C]AATCCGCGCACGAACTTGCCGATGACCAGCACGATGGACACGTACAGCCCCATGATGCTG-3'
Protein context (NP_001136336.2, residues 2448-2468): VLVIGKFVRG[Phe2458Leu]FSEISHSIMF

ClinVar aggregate classification (germline): Conflicting classifications of pathogenicity. Review status: criteria provided, conflicting classifications (1 of 4 stars). 8 submissions from 8 submitters: Uncertain significance (4); Likely benign (3). 1 of the submissions does not count toward it. Last evaluated 2026-01-15.

Conditions:
PIEZO1-related disorder. Also called: PIEZO1-related condition; PIEZO1-Related Disorders.

Allele frequency attached by ClinVar (database versions not stated): gnomAD 0.00108 and 0.00112; ExAC 0.00118; ESP Exome Variant Server 0.00132; 1000 Genomes Project 0.00020; 1000 Genomes Project 30x 0.00062; TOPMed 0.00100; gnomAD exomes 0.00103.
gnomAD v4.1: 2,137 of 1,550,376 alleles (0.14%); highest among the groups gnomAD compares: South Asian, 0.2%; 4 homozygotes.

Submissions (8):

Labcorp Genetics (formerly Invitae), Labcorp
Classification: Likely benign. Last evaluated: 2026-01-15. Review status: criteria provided, single submitter. Criteria: Invitae Variant Classification Sherloc (09022015). Collection method: clinical testing. Allele origin: germline.

Center for Genomic Medicine, Rigshospitalet, Copenhagen University Hospital
Classification: Uncertain significance. Last evaluated: 2025-12-29. Review status: criteria provided, single submitter. Criteria: ACMG Guidelines, 2015. Collection method: clinical testing. Allele origin: germline.

Mayo Clinic Laboratories, Mayo Clinic
Classification: Uncertain significance. Last evaluated: 2025-12-03. Review status: criteria provided, single submitter. Criteria: ACMG Guidelines, 2015. Collection method: clinical testing. Allele origin: germline. Observed: 8 variant alleles.

CeGaT Center for Human Genetics Tuebingen
Classification: Likely benign. Last evaluated: 2025-11-01. Review status: criteria provided, single submitter. Criteria: CeGaT Center For Human Genetics Tuebingen Variant Classification Criteria Version 2. Collection method: clinical testing. Allele origin: germline. Affected: yes. Observed: 7 variant alleles.
Comment: PIEZO1: BS1

GeneDx
Classification: Uncertain significance. Last evaluated: 2025-04-26. Review status: criteria provided, single submitter. Criteria: GeneDx Variant Classification Process June 2021. Collection method: clinical testing. Allele origin: germline. Affected: yes.
Comment: Identified in an individual with generalized lymphatic dysplasia who had two additional PIEZO1 missense variants, one on the same allele (in cis) and another on the opposite allele (in trans) (PMID: 26333996); Identified in an individual with mild dehydrated stomatocytosis and overlapping features with lymphedema who had an additional PIEZO1 missense variant, although segregation data was not provided to determine the phase of these two variants (PMID: 30655378); In silico analysis supports that this missense variant has a deleterious effect on protein structure/function; This variant is associated with the following publications: (PMID: 28132693, 30244526, 26333996, 30655378, 35646098, 32112123, 34489534, 36376028, 39281748, 38184690)

ARUP Laboratories, Molecular Genetics and Genomics, ARUP Laboratories
Classification: Likely benign. Last evaluated: 2025-01-18. Review status: criteria provided, single submitter. Criteria: ARUP Molecular Germline Variant Investigation Process 2024. Collection method: clinical testing. Allele origin: germline.

Blueprint Genetics
Classification: Uncertain significance. Last evaluated: 2024-11-08. Review status: criteria provided, single submitter. Criteria: ACMG Guidelines, 2015. Collection method: clinical testing. Allele origin: germline.

PreventionGenetics, part of Exact Sciences
Classification: Likely benign for PIEZO1-related condition. Last evaluated: 2024-04-18. Review status: no assertion criteria provided. Collection method: clinical testing. Allele origin: germline. Not counted in ClinVar's aggregate classification.
Comment: This variant is classified as likely benign based on ACMG/AMP sequence variant interpretation guidelines (Richards et al. 2015 PMID: 25741868, with internal and published modifications).

Literature cited by the submitters: PubMed 26333996 (cited by Center for Genomic Medicine, Rigshospitalet, Copenhagen University Hospital and Mayo Clinic Laboratories, Mayo Clinic); PubMed 39400415 (cited by Center for Genomic Medicine, Rigshospitalet, Copenhagen University Hospital and Mayo Clinic Laboratories, Mayo Clinic); PubMed 30655378 (cited by Mayo Clinic Laboratories, Mayo Clinic); PubMed 32112123 (cited by Mayo Clinic Laboratories, Mayo Clinic); PubMed 34489534 (cited by Mayo Clinic Laboratories, Mayo Clinic).